The following is an entry in ClinVar:

ClinVar aggregate classification (germline): Uncertain significance. Review status: criteria provided, multiple submitters, no conflicts (2 of 4 stars). 5 submissions from 4 submitters: Uncertain significance (5). Last evaluated 2023-12-29.

Conditions:
Retinitis pigmentosa (RP). Identifiers: Orphanet 791, MedGen C0035334, MeSH D012174, MONDO:0019200, OMIM 268000. Inheritance: Autosomal dominant, autosomal recessive and X linked inheritance.
Congenital stationary night blindness autosomal dominant 1. Also called: NIGHT BLINDNESS, CONGENITAL STATIONARY, RHODOPSIN-RELATED. Identifiers: Orphanet 215, MedGen C1864869, MONDO:0012498, OMIM 610445.

Allele frequency attached by ClinVar (database versions not stated): gnomAD exomes 0.00001 and 0.00002; TOPMed 0.00001; ExAC 0.00002; gnomAD 0.00003.
gnomAD v4.1: 23 of 1,614,148 alleles (0.0014%); highest among the groups gnomAD compares: African/African-American, 0.0067%; no homozygotes.

Submissions (5):

Blueprint Genetics
Classification: Uncertain significance. Last evaluated: 2023-12-29. Review status: criteria provided, single submitter. Criteria: ACMG Guidelines, 2015. Collection method: clinical testing. Allele origin: germline.

Labcorp Genetics (formerly Invitae), Labcorp
Classification: Uncertain significance. Last evaluated: 2023-04-30. Review status: criteria provided, single submitter. Criteria: Invitae Variant Classification Sherloc (09022015). Collection method: clinical testing. Allele origin: germline.
Comment: In summary, the available evidence is currently insufficient to determine the role of this variant in disease. Therefore, it has been classified as a Variant of Uncertain Significance. Advanced modeling of protein sequence and biophysical properties (such as structural, functional, and spatial information, amino acid conservation, physicochemical variation, residue mobility, and thermodynamic stability) performed at Invitae indicates that this missense variant is not expected to disrupt RHO protein function. ClinVar contains an entry for this variant (Variation ID: 902118). This variant has not been reported in the literature in individuals affected with RHO-related conditions. This variant is present in population databases (rs746468201, gnomAD 0.01%). This sequence change replaces arginine, which is basic and polar, with histidine, which is basic and polar, at codon 147 of the RHO protein (p.Arg147His).

GeneDx
Classification: Uncertain significance. Last evaluated: 2022-12-19. Review status: criteria provided, single submitter. Criteria: GeneDx Variant Classification Process June 2021. Collection method: clinical testing. Allele origin: germline. Affected: yes.
Comment: In silico analysis supports that this missense variant does not alter protein structure/function; Has not been previously published as pathogenic or benign to our knowledge

Illumina Laboratory Services, Illumina
Classification: Uncertain significance for Retinitis pigmentosa. Last evaluated: 2017-04-27. Review status: criteria provided, single submitter. Criteria: ICSL Variant Classification Criteria 13 December 2019. Collection method: clinical testing. Allele origin: germline.

Illumina Laboratory Services, Illumina
Classification: Uncertain significance for Congenital stationary night blindness autosomal dominant 1. Last evaluated: 2017-04-27. Review status: criteria provided, single submitter. Criteria: ICSL Variant Classification Criteria 13 December 2019. Collection method: clinical testing. Allele origin: germline.
Comment: This variant was observed as part of a predisposition screen in an ostensibly healthy population. A literature search was performed for the gene, cDNA change, and amino acid change (where applicable). Publications were found based on this search. However, the evidence from the literature, in combination with allele frequency data from public databases where available, was not sufficient to rule this variant in or out of causing disease. Therefore, this variant is classified as a variant of unknown significance.

Literature cited by the submitters: PubMed 12860986 (cited by Illumina Laboratory Services, Illumina); PubMed 9050844 (cited by Illumina Laboratory Services, Illumina).

NM_000539.3(RHO):c.440G>A (p.Arg147His)

Gene: RHO (rhodopsin; plus strand). Cytogenetic location: 3q22.1.
Variant type: single nucleotide variant.
Coding change: c.440G>A on transcript NM_000539.3 (MANE Select); coding-DNA position 440, G replaced by A.
Protein change: p.Arg147His; replaces arginine 147 with histidine.
Molecular consequence: missense variant.
Genome position (GRCh38, 1-based): chr3:129,530,954, G>A. VCF-style: chr3-129530954-G-A. GRCh37 (hg19) VCF-style: chr3-129249797-G-A.
Other names: short protein forms R147H.
Identifiers: ClinVar variation 902118 (VCV000902118.10), dbSNP rs746468201, ClinGen allele CA2607158.
Genomic context (GRCh38, chr3:129,530,954, plus strand): 5'-CCTTGGTGGTCCTGGCCATCGAGCGGTACGTGGTGGTGTGTAAGCCCATGAGCAACTTCC[G>A]CTTCGGGGAGAACCATGCCATCATGGGCGTTGCCTTCACCTGGGTCATGGCGCTGGCCTG-3'
Protein context (NP_000530.1, residues 137-157): VVVCKPMSNF[Arg147His]FGENHAIMGV